The following is an entry in ClinVar:

ClinVar aggregate classification (germline): Pathogenic (1 of 4 stars; one submission).

Submission:

GeneDx
Classification: Pathogenic. Last evaluated: 2018-06-12. Review status: criteria provided, single submitter. Criteria: GeneDx Variant Classification (06012015). Collection method: clinical testing. Allele origin: germline. Affected: yes.
Comment: The c.1048_1049delGA variant in the SETD2 gene has not been reported previously as a pathogenic variant nor as a benign variant, to our knowledge. The c.1048_1049delGA variant causes a frameshift starting with codon Aspartic acid 350, changes this amino acid to a Phenylalainie residue, and creates a premature Stop codon at position 2 of the new reading frame, denoted p.Asp350PhefsX2. This variant is predicted to cause loss of normal protein function either through protein truncation or nonsense-mediated mRNA decay. The c.1048_1049delGA variant is not observed in large population cohorts (Lek et al., 2016). We interpret c.1048_1049delGA as a pathogenic variant.

NM_014159.7(SETD2):c.1048_1049del (p.Asp350fs)

Gene: SETD2 (SET domain containing 2, histone lysine methyltransferase; minus strand). Cytogenetic location: 3p21.31.
Variant type: Microsatellite.
Coding change: c.1048_1049del on transcript NM_014159.7 (MANE Select); coding-DNA positions 1048 to 1049, 2 bases deleted (GA; older notation c.1048_1049delGA).
Protein change: p.Asp350fs; shifts the reading frame from aspartic acid 350.
Molecular consequence: frameshift variant. On other transcripts: non-coding transcript variant (1).
Genome position (GRCh38, 1-based): chr3:47,123,587-47,123,588, TC deleted on the plus strand (GA on the coding strand, the reverse complement: SETD2 is on the minus strand); deleting any 2 consecutive bases within chr3:47,123,587-47,123,591 gives the same sequence; the c. name uses the placement nearest the transcript's 3' end. VCF-style (leftmost placement, unchanged base first): chr3-47123586-ATC-A. GRCh37 (hg19) VCF-style: chr3-47165076-ATC-A.
Other names: c.916_917del, p.Asp306fs (NM_001349370.3); short protein forms D306fs, D350fs.
Identifiers: ClinVar variation 817106 (VCV000817106.1), dbSNP rs1575818503, ClinGen allele CA915942467.
Genomic context (GRCh38, chr3:47,123,586, plus strand): 5'-TTTAGATCGTGAAGGTTTCCCTAGATCCTCACTTTTTAAAGGTGCTGAGCTCTTTTTAAA[ATC>A]TCTTTCCTTTTCAATGCTTGCTGAAAATTTTAAATCATGTGATCTTTGACTTGAAGAAGT-3'